The following is an entry in ClinVar:

NM_001292063.2(OTOG):c.2947C>T (p.Arg983Cys)

Gene: OTOG (otogelin; plus strand). Cytogenetic location: 11p15.1.
Variant type: single nucleotide variant.
Coding change: c.2947C>T on transcript NM_001292063.2 (MANE Select); coding-DNA position 2947, C replaced by T.
Protein change: p.Arg983Cys; replaces arginine 983 with cysteine.
Molecular consequence: missense variant.
Genome position (GRCh38, 1-based): chr11:17,591,529, C>T. VCF-style: chr11-17591529-C-T. GRCh37 (hg19) VCF-style: chr11-17613076-C-T.
Other names: c.2983C>T, p.Arg995Cys (NM_001277269.2); short protein forms R983C, R995C.
Identifiers: ClinVar variation 1328766 (VCV001328766.10), dbSNP rs556631973, ClinGen allele CA5905684.

ClinVar aggregate classification (germline): Uncertain significance. Review status: criteria provided, multiple submitters, no conflicts (2 of 4 stars). 2 submissions from 2 submitters: Uncertain significance (2). Last evaluated 2024-02-15.

Allele frequency attached by ClinVar (database versions not stated): gnomAD exomes 0.00003 and 0.00007; ExAC 0.00006; TOPMed 0.00014; gnomAD 0.00016; 1000 Genomes Project 0.00040; 1000 Genomes Project 30x 0.00047.
gnomAD v4.1: 71 of 1,550,680 alleles (0.0046%); highest among the groups gnomAD compares: African/African-American, 0.057%; no homozygotes.

Submissions (2):

GeneDx
Classification: Uncertain significance. Last evaluated: 2024-02-15. Review status: criteria provided, single submitter. Criteria: GeneDx Variant Classification Process June 2021. Collection method: clinical testing. Allele origin: germline. Affected: yes.
Comment: In silico analysis supports that this missense variant has a deleterious effect on protein structure/function; Has not been previously published as pathogenic or benign to our knowledge

Labcorp Genetics (formerly Invitae), Labcorp
Classification: Uncertain significance. Last evaluated: 2021-07-12. Review status: criteria provided, single submitter. Criteria: Invitae Variant Classification Sherloc (09022015). Collection method: clinical testing. Allele origin: germline.
Comment: This sequence change replaces arginine with cysteine at codon 995 of the OTOG protein (p.Arg995Cys). The arginine residue is highly conserved and there is a large physicochemical difference between arginine and cysteine. This variant is present in population databases (rs556631973, ExAC 0.01%). This variant has not been reported in the literature in individuals with OTOG-related conditions. Algorithms developed to predict the effect of missense changes on protein structure and function are either unavailable or do not agree on the potential impact of this missense change (SIFT: "Deleterious"; PolyPhen-2: "Probably Damaging"; Align-GVGD: "Class C0"). In summary, the available evidence is currently insufficient to determine the role of this variant in disease. Therefore, it has been classified as a Variant of Uncertain Significance.